The following is an entry in ClinVar:

ClinVar aggregate classification (germline): Uncertain significance. Review status: criteria provided, multiple submitters, no conflicts (2 of 4 stars). 3 submissions from 3 submitters: Uncertain significance (3). Last evaluated 2024-01-18.

Conditions:
TTN-related disorder. Also called: TTN-related condition; TTN-related disease; TTN-related disorders.
Autosomal recessive limb-girdle muscular dystrophy type 2J (LGMDR10). Also called: Limb-girdle muscular dystrophy, type 2J; MUSCULAR DYSTROPHY, LIMB-GIRDLE, AUTOSOMAL RECESSIVE 10. Identifiers: Orphanet 140922, MedGen C1837342, MONDO:0012127, OMIM 608807.
Dilated cardiomyopathy 1G (CMD1G). Identifiers: Orphanet 154, MedGen C1858763, MONDO:0011400, OMIM 604145.

Allele frequency attached by ClinVar (database versions not stated): gnomAD 0.00001; TOPMed 0.00002.
gnomAD v4.1: 16 of 1,613,340 alleles (0.00099%); highest among the groups gnomAD compares: African/African-American, 0.0013%; no homozygotes.

Submissions (3):

GeneDx
Classification: Uncertain significance. Last evaluated: 2024-01-18. Review status: criteria provided, single submitter. Criteria: GeneDx Variant Classification Process June 2021. Collection method: clinical testing. Allele origin: germline. Affected: yes.
Comment: Not observed at significant frequency in large population cohorts (gnomAD); Missense variant in a gene in which most reported pathogenic variants are truncating/loss of function; Has not been previously published as pathogenic or benign to our knowledge

PreventionGenetics, part of Exact Sciences
Classification: Uncertain significance for TTN-related condition. Last evaluated: 2022-09-14. Review status: criteria provided, single submitter. Criteria: ACMG Guidelines, 2015. Collection method: clinical testing. Allele origin: germline.
Comment: The TTN c.69515C>T variant is predicted to result in the amino acid substitution p.Thr23172Ile. To our knowledge, this variant has not been reported in the literature. This variant is reported in 0.0065% of alleles in individuals of African descent in gnomAD. At this time, the clinical significance of this variant is uncertain due to the absence of conclusive functional and genetic evidence.

Labcorp Genetics (formerly Invitae), Labcorp
Classification: Uncertain significance for Dilated cardiomyopathy 1G; Autosomal recessive limb-girdle muscular dystrophy type 2J. Last evaluated: 2017-01-21. Review status: criteria provided, single submitter. Criteria: Invitae Variant Classification Sherloc (09022015). Collection method: clinical testing. Allele origin: germline.

NM_001267550.2(TTN):c.69515C>T (p.Thr23172Ile)

Genes: TTN-AS1 (TTN antisense RNA 1; plus strand), TTN (titin; minus strand). Cytogenetic location: 2q31.2.
Variant type: single nucleotide variant.
Coding change: c.69515C>T on transcript NM_001267550.2 (MANE Select); coding-DNA position 69515, C replaced by T.
Protein change: p.Thr23172Ile; replaces threonine 23172 with isoleucine.
Molecular consequence: missense variant.
Genome position (GRCh38, 1-based): chr2:178,576,729, G>A on the plus strand (C>T on the coding strand, the complement: TTN is on the minus strand). VCF-style: chr2-178576729-G-A. GRCh37 (hg19) VCF-style: chr2-179441456-G-A.
Other names: c.69515C>T (NM_001267550.1); c.64592C>T, p.Thr21531Ile (NM_001256850.1); c.42320C>T, p.Thr14107Ile (NM_003319.4); c.61811C>T, p.Thr20604Ile (NM_133378.4); c.42695C>T, p.Thr14232Ile (NM_133432.3); c.42896C>T, p.Thr14299Ile (NM_133437.4); short protein forms T23172I, T14299I, T20604I, T14107I, T14232I, T21531I.
Identifiers: ClinVar variation 467419 (VCV000467419.5), dbSNP rs752643010, ClinGen allele CA349667767.